The following is an entry in ClinVar:

ClinVar aggregate classification (germline): Likely benign (1 of 4 stars; one submission).

Allele frequency attached by ClinVar (database versions not stated): 1000 Genomes Project 30x 0.00016; gnomAD exomes 0.00050; TOPMed 0.00051; gnomAD 0.00064.
gnomAD v4.1: 586 of 1,147,396 alleles (0.051%); highest among the groups gnomAD compares: Non-Finnish European, 0.059%; no homozygotes.

Submission:

CeGaT Center for Human Genetics Tuebingen
Classification: Likely benign. Last evaluated: 2022-05-01. Review status: criteria provided, single submitter. Criteria: CeGaT Center For Human Genetics Tuebingen Variant Classification Criteria Version 2. Collection method: clinical testing. Allele origin: germline. Affected: yes. Observed: 1 variant allele.
Comment: FOXO1: BP4, BP7

NM_002015.4(FOXO1):c.378G>C (p.Pro126=)

Genes: FOXO1 (forkhead box O1; minus strand), LOC130009609 (ATAC-STARR-seq lymphoblastoid silent region 5282; plus strand). Cytogenetic location: 13q14.11.
Variant type: single nucleotide variant.
Coding change: c.378G>C on transcript NM_002015.4 (MANE Select); coding-DNA position 378, G replaced by C.
Protein change: p.Pro126=; no amino-acid change (proline 126 retained).
Molecular consequence: synonymous variant.
Genome position (GRCh38, 1-based): chr13:40,665,835, C>G on the plus strand (G>C on the coding strand, the complement: FOXO1 is on the minus strand). VCF-style: chr13-40665835-C-G. GRCh37 (hg19) VCF-style: chr13-41239972-C-G.
Identifiers: ClinVar variation 2643777 (VCV002643777.23), dbSNP rs947602897, ClinGen allele CA248985506.
Genomic context (GRCh38, chr13:40,665,835, plus strand): 5'-CGCGAGCGGCCCAGCGGCGGCGGGGGGCACCGGCGGGTGCTGCGACAGCGGCCCGGGCGG[C>G]GGGGGCTGCGGTGGCGCTGGGTGCAGGCAGCCCGCCTCCGGGCCCTGGAAGTCCCCGCAC-3'
Protein context (NP_002006.2, residues 116-136): GCLHPAPPQP[Pro126=]PPGPLSQHPP